The following is an entry in ClinVar:

NM_000875.5(IGF1R):c.2380C>T (p.Arg794Trp)

Gene: IGF1R (insulin like growth factor 1 receptor; plus strand). Cytogenetic location: 15q26.3.
Variant type: single nucleotide variant.
Coding change: c.2380C>T on transcript NM_000875.5 (MANE Select); coding-DNA position 2380, C replaced by T.
Protein change: p.Arg794Trp; replaces arginine 794 with tryptophan.
Molecular consequence: missense variant.
Genome position (GRCh38, 1-based): chr15:98,922,326, C>T. VCF-style: chr15-98922326-C-T. GRCh37 (hg19) VCF-style: chr15-99465555-C-T.
Other names: c.2380C>T, p.Arg794Trp (NM_001291858.2); short protein forms R794W.
Identifiers: ClinVar variation 3108524 (VCV003108524.3), dbSNP rs753047347, ClinGen allele CA7752379.
Genomic context (GRCh38, chr15:98,922,326, plus strand): 5'-GAGTACCCTTTCTTTGAGAGCAGAGTGGATAACAAGGAGAGAACTGTCATTTCTAACCTT[C>T]GGCCTTTCACATTGTACCGCATCGATATCCACAGCTGCAACCACGAGGCTGAGAAGCTGG-3'
Protein context (NP_000866.1, residues 784-804): NKERTVISNL[Arg794Trp]PFTLYRIDIH

ClinVar aggregate classification (germline): Uncertain significance. Review status: criteria provided, multiple submitters, no conflicts (2 of 4 stars). 2 submissions from 2 submitters: Uncertain significance (2). Last evaluated 2025-11-05.

Conditions:
Inborn genetic diseases. Identifiers: MedGen C0950123, MeSH D030342.

Allele frequency attached by ClinVar (database versions not stated): gnomAD 0.00001; gnomAD exomes 0.00002; TOPMed 0.00002; ExAC 0.00002.
gnomAD v4.1: 30 of 1,614,024 alleles (0.0019%); highest among the groups gnomAD compares: Non-Finnish European, 0.0022%; no homozygotes.

Submissions (2):

Labcorp Genetics (formerly Invitae), Labcorp
Classification: Uncertain significance. Last evaluated: 2025-11-05. Review status: criteria provided, single submitter. Criteria: Invitae Variant Classification Sherloc (09022015). Collection method: clinical testing. Allele origin: germline.
Comment: This sequence change replaces arginine, which is basic and polar, with tryptophan, which is neutral and slightly polar, at codon 794 of the IGF1R protein (p.Arg794Trp). This variant is present in population databases (rs753047347, gnomAD 0.005%). This variant has not been reported in the literature in individuals affected with IGF1R-related conditions. ClinVar contains an entry for this variant (Variation ID: 3108524). Invitae Evidence Modeling of protein sequence and biophysical properties (such as structural, functional, and spatial information, amino acid conservation, physicochemical variation, residue mobility, and thermodynamic stability) has been performed for this missense variant. However, the output from this modeling did not meet the statistical confidence thresholds required to predict the impact of this variant on IGF1R protein function. In summary, the available evidence is currently insufficient to determine the role of this variant in disease. Therefore, it has been classified as a Variant of Uncertain Significance.

Ambry Genetics
Classification: Uncertain significance for Inborn genetic diseases. Last evaluated: 2024-01-24. Review status: criteria provided, single submitter. Criteria: Ambry Variant Classification Scheme 2023. Collection method: clinical testing. Allele origin: germline.